The following is an entry in ClinVar:

ClinVar aggregate classification (germline): Uncertain significance. Review status: criteria provided, multiple submitters, no conflicts (2 of 4 stars). 2 submissions from 2 submitters: Uncertain significance (2). Last evaluated 2022-09-06.

Allele frequency attached by ClinVar (database versions not stated): gnomAD exomes 0.00002 and 0.00007; ExAC 0.00003; gnomAD 0.00006 and 0.00008; TOPMed 0.00007; ESP Exome Variant Server 0.00024.
gnomAD v4.1: 108 of 1,613,824 alleles (0.0067%); highest among the groups gnomAD compares: Non-Finnish European, 0.0086%; no homozygotes.

Submissions (2):

Labcorp Genetics (formerly Invitae), Labcorp
Classification: Uncertain significance. Last evaluated: 2022-09-06. Review status: criteria provided, single submitter. Criteria: Invitae Variant Classification Sherloc (09022015). Collection method: clinical testing. Allele origin: germline.
Comment: This sequence change replaces proline, which is neutral and non-polar, with serine, which is neutral and polar, at codon 456 of the PCLO protein (p.Pro456Ser). This variant is present in population databases (rs200908057, gnomAD 0.006%). This variant has not been reported in the literature in individuals affected with PCLO-related conditions. ClinVar contains an entry for this variant (Variation ID: 594326). Algorithms developed to predict the effect of missense changes on protein structure and function are either unavailable or do not agree on the potential impact of this missense change (SIFT: "Deleterious"; PolyPhen-2: "Possibly Damaging"; Align-GVGD: "Class C0"). In summary, the available evidence is currently insufficient to determine the role of this variant in disease. Therefore, it has been classified as a Variant of Uncertain Significance.

Eurofins Ntd Llc (ga)
Classification: Uncertain significance. Last evaluated: 2017-10-02. Review status: criteria provided, single submitter. Criteria: EGL Classification Definitions 2015. Collection method: clinical testing. Allele origin: germline. Observed: 1 variant allele, 1 heterozygote.

NM_033026.6(PCLO):c.1366C>T (p.Pro456Ser)

Gene: PCLO (piccolo presynaptic cytomatrix protein; minus strand). Cytogenetic location: 7q21.11.
Variant type: single nucleotide variant.
Coding change: c.1366C>T on transcript NM_033026.6 (MANE Select); coding-DNA position 1366, C replaced by T.
Protein change: p.Pro456Ser; replaces proline 456 with serine.
Molecular consequence: missense variant.
Genome position (GRCh38, 1-based): chr7:83,155,275, G>A on the plus strand (C>T on the coding strand, the complement: PCLO is on the minus strand). VCF-style: chr7-83155275-G-A. GRCh37 (hg19) VCF-style: chr7-82784591-G-A.
Other names: c.1366C>T, p.Pro456Ser (NM_014510.3); short protein forms P456S.
Identifiers: ClinVar variation 594326 (VCV000594326.7), dbSNP rs200908057, ClinGen allele CA4321477.